The following is an entry in ClinVar:

ClinVar aggregate classification (germline): Uncertain significance (1 of 4 stars; one submission).

Allele frequency attached by ClinVar (database versions not stated): TOPMed 0.00001; ExAC 0.00002; gnomAD 0.00001; ESP Exome Variant Server 0.00008.
gnomAD v4.1: 2 of 1,614,002 alleles (0.00012%); highest among the groups gnomAD compares: Non-Finnish European, 0.00017%; no homozygotes.

Submission:

Labcorp Genetics (formerly Invitae), Labcorp
Classification: Uncertain significance. Last evaluated: 2023-02-16. Review status: criteria provided, single submitter. Criteria: Invitae Variant Classification Sherloc (09022015). Collection method: clinical testing. Allele origin: germline.
Comment: This sequence change replaces threonine, which is neutral and polar, with isoleucine, which is neutral and non-polar, at codon 1769 of the RP1 protein (p.Thr1769Ile). This variant is present in population databases (rs201416764, gnomAD 0.002%), including at least one homozygous and/or hemizygous individual. This variant has not been reported in the literature in individuals affected with RP1-related conditions. An algorithm developed to predict the effect of missense changes on protein structure and function (PolyPhen-2) suggests that this variant is likely to be disruptive. In summary, the available evidence is currently insufficient to determine the role of this variant in disease. Therefore, it has been classified as a Variant of Uncertain Significance.

NM_006269.2(RP1):c.5306C>T (p.Thr1769Ile)

Genes: RP1 (RP1 axonemal microtubule associated; plus strand), LOC126860392 (CDK7 strongly-dependent group 2 enhancer GRCh37_chr8:55541319-55542518; plus strand). Cytogenetic location: 8q12.1.
Variant type: single nucleotide variant.
Coding change: c.5306C>T on transcript NM_006269.2 (MANE Select); coding-DNA position 5306, C replaced by T.
Protein change: p.Thr1769Ile; replaces threonine 1769 with isoleucine.
Molecular consequence: missense variant. On other transcripts: intron variant (1).
Genome position (GRCh38, 1-based): chr8:54,629,188, C>T. VCF-style: chr8-54629188-C-T. GRCh37 (hg19) VCF-style: chr8-55541748-C-T.
Other names: c.787+6900C>T (NM_001375654.1); short protein forms T1769I.
Identifiers: ClinVar variation 2795404 (VCV002795404.3), dbSNP rs201416764, ClinGen allele CA4752038.